The following is an entry in ClinVar:

NM_014806.5(RUSC2):c.1888A>G (p.Met630Val)

Gene: RUSC2 (RUN and SH3 domain containing 2; plus strand). Cytogenetic location: 9p13.3.
Variant type: single nucleotide variant.
Coding change: c.1888A>G on transcript NM_014806.5 (MANE Select); coding-DNA position 1888, A replaced by G.
Protein change: p.Met630Val; replaces methionine 630 with valine.
Molecular consequence: missense variant. On other transcripts: intron variant (1).
Genome position (GRCh38, 1-based): chr9:35,548,409, A>G. VCF-style: chr9-35548409-A-G. GRCh37 (hg19) VCF-style: chr9-35548406-A-G.
Other names: c.1888A>G, p.Met630Val (NM_001135999.2); c.-620-6651A>G (NM_001330740.2); short protein forms M630V.
Identifiers: ClinVar variation 2854469 (VCV002854469.3), dbSNP rs2490385927, ClinGen allele CA373336569.

ClinVar aggregate classification (germline): Uncertain significance (1 of 4 stars; one submission).

Allele frequency attached by ClinVar (database versions not stated): gnomAD exomes below 0.00001.

Submission:

Labcorp Genetics (formerly Invitae), Labcorp
Classification: Uncertain significance. Last evaluated: 2023-04-09. Review status: criteria provided, single submitter. Criteria: Invitae Variant Classification Sherloc (09022015). Collection method: clinical testing. Allele origin: germline.
Comment: This sequence change replaces methionine, which is neutral and non-polar, with valine, which is neutral and non-polar, at codon 630 of the RUSC2 protein (p.Met630Val). In summary, the available evidence is currently insufficient to determine the role of this variant in disease. Therefore, it has been classified as a Variant of Uncertain Significance. Algorithms developed to predict the effect of missense changes on protein structure and function output the following: SIFT: "Not Available"; PolyPhen-2: "Benign"; Align-GVGD: "Not Available". The valine amino acid residue is found in multiple mammalian species, which suggests that this missense change does not adversely affect protein function. This variant has not been reported in the literature in individuals affected with RUSC2-related conditions. This variant is not present in population databases (gnomAD no frequency).